The following is an entry in ClinVar:

NC_000016.10:g.89748659_89762022del

Gene: FANCA (FA complementation group A; minus strand). Cytogenetic location: 16q24.3.
Variant type: Deletion.
Identifiers: ClinVar variation 974344 (VCV000974344.1).

ClinVar aggregate classification (germline): Pathogenic (0 of 4 stars; one submission).

Conditions:
Fanconi anemia complementation group A (FANCA). Also called: Fanconi anemia, group A; FANCA-Related Fanconi Anemia. Identifiers: Orphanet 84, MedGen C3469521, MONDO:0009215, OMIM 227650.

Submission:

Leiden Open Variation Database
Classification: Pathogenic for Fanconi anemia complementation group A. Last evaluated: 2020-02-28. Review status: no assertion criteria provided. Collection method: curation. Allele origin: germline. Affected: yes.
Comment: Curator: Arleen D. Auerbach. Submitter to LOVD: Arleen D. Auerbach.

Literature cited by the submitters: PubMed 10094191.